The following is an entry in ClinVar:

ClinVar aggregate classification (germline): Pathogenic. Review status: criteria provided, single submitter (1 of 4 stars). 2 submissions from 2 submitters: Pathogenic (1). 1 of the submissions does not count toward it. Last evaluated 2022-07-07.

Conditions:
Syndromic microphthalmia type 5 (MCOPS5). Also called: RETINAL DYSTROPHY, EARLY-ONSET, WITH PITUITARY DYSFUNCTION; RETINAL DYSTROPHY, EARLY-ONSET, WITHOUT PITUITARY DYSFUNCTION. Identifiers: Orphanet 178364, MedGen C1864690, MONDO:0012413, OMIM 610125.

Submissions (2):

GeneDx
Classification: Pathogenic. Last evaluated: 2022-07-07. Review status: criteria provided, single submitter. Criteria: GeneDx Variant Classification Process June 2021. Collection method: clinical testing. Allele origin: germline. Affected: yes.
Comment: Identified as an inherited change in multiple individuals with anophthalmia and/or microphthalmia or with colobomas, and intrafamilial variability was noted for these cases (Wyatt et al., 2008; Patat et al., 2013; Chassaing et al., 2014); Nonsense variant in the C-terminus predicted to result in protein truncation, as the last 201 amino acids are lost, and other loss-of-function variants have been reported downstream in the Human Gene Mutation Database (HGMD); Not observed at significant frequency in large population cohorts (gnomAD); This variant is associated with the following publications: (PMID: 33423259, 18781617, 28388256, 23523800, 24167467, 31969185, 30268123, 31896778, 24033328, 20494911)

OMIM
Classification: Pathogenic for MICROPHTHALMIA, SYNDROMIC 5. Last evaluated: 2013-09-01. Review status: no assertion criteria provided. Collection method: literature only. Allele origin: germline. Not counted in ClinVar's aggregate classification.

Literature cited by the submitters: PubMed 24167467 (cited by OMIM).

NM_021728.4(OTX2):c.289C>T (p.Arg97Ter)

Gene: OTX2 (orthodenticle homeobox 2; minus strand). Cytogenetic location: 14q22.3.
Variant type: single nucleotide variant.
Coding change: c.289C>T on transcript NM_021728.4 (MANE Select); coding-DNA position 289, C replaced by T.
Protein change: p.Arg97Ter; replaces arginine 97 with a stop codon.
Molecular consequence: nonsense. On other transcripts: non-coding transcript variant (2).
Genome position (GRCh38, 1-based): chr14:56,802,340, G>A on the plus strand (C>T on the coding strand, the complement: OTX2 is on the minus strand). VCF-style: chr14-56802340-G-A. GRCh37 (hg19) VCF-style: chr14-57269058-G-A.
Other names: c.265C>T, p.Arg89Ter (NM_001270523.2, NM_001270524.2, NM_172337.3); c.289C>T, p.Arg97Ter (NM_001270525.2); short protein forms R97*, R89*.
Identifiers: ClinVar variation 190250 (VCV000190250.5), dbSNP rs104894464, ClinGen allele CA199646.
Genomic context (GRCh38, chr14:56,802,340, plus strand): 5'-TCACTTTGTTTTGACCTCCATTCTGCTGTTGTTGCTGTTGTTGGCGGCACTTAGCTCTTC[G>A]ATTCTTAAACCATACCTTGGAAGGGAAAGAAAATTCTTTAACTCGGTTTTGATAGTTCCT-3'